The following is an entry in ClinVar:

NC_000002.11:g.(?_51148997)_(51153103_?)del

Gene: NRXN1 (neurexin 1; minus strand). Cytogenetic location: 2p16.3.
Variant type: Deletion.
Identifiers: ClinVar variation 3247388 (VCV003247388.1).

ClinVar aggregate classification (germline): Pathogenic (1 of 4 stars; one submission).

Conditions:
Pitt-Hopkins-like syndrome 2 (PTHSL2). Identifiers: Orphanet 221150, Orphanet 600663, MedGen C3280479, MONDO:0013690, OMIM 614325.

Submission:

Labcorp Genetics (formerly Invitae), Labcorp
Classification: Pathogenic for Pitt-Hopkins-like syndrome 2. Last evaluated: 2023-12-12. Review status: criteria provided, single submitter. Criteria: Invitae Variant Classification Sherloc (09022015). Collection method: clinical testing. Allele origin: unknown.
Comment: This variant is a gross deletion of the genomic region encompassing exon(s) 4-6 of the NRXN1 gene. This variant would be expected to be in-frame, preserving the integrity of the reading frame. A similar copy number variant has been observed in individual(s) with clinical features of NRXN1-related conditions (PMID: 23207424, 25661985, 27195815, 30031152; Invitae). The region of the NRXN1 gene that includes exon(s) 4 has been determined to be clinically significant (PMID: 21827697, 30031152; Invitae). Therefore, deletions that encompass that region are likely to be disease-causing. For these reasons, this variant has been classified as Pathogenic.

Literature cited by the submitters: PubMed 23207424; PubMed 25661985; PubMed 27195815; PubMed 30031152; PubMed 21827697.